The following is an entry in ClinVar:

ClinVar aggregate classification (germline): Uncertain significance (1 of 4 stars; one submission).

Conditions:
Cardiovascular phenotype. Identifiers: MedGen CN230736.

Submission:

Ambry Genetics
Classification: Uncertain significance for Cardiovascular phenotype. Last evaluated: 2025-12-15. Review status: criteria provided, single submitter. Criteria: Ambry Variant Classification Scheme 2023. Collection method: clinical testing. Allele origin: germline.
Comment: The c.5444+784T>G intronic alteration consists of a T to G substitution 784 nucleotides after exon 42 (coding exon 42) in the CACNA1C gene. This variant was not reported in population-based cohorts in the Genome Aggregation Database (gnomAD). This nucleotide position is not well conserved on limited species alignment. In silico splice site analysis predicts that this alteration will result in the creation or strengthening of a novel splice donor site. Based on insufficient or conflicting evidence, the clinical significance of this alteration remains unclear.

NM_000719.7(CACNA1C):c.5444+784T>G

Genes: CACNA1C (calcium voltage-gated channel subunit alpha1 C; plus strand), CACNA1C-AS1 (CACNA1C antisense RNA 1; minus strand). Cytogenetic location: 12p13.33.
Variant type: single nucleotide variant.
Coding change: c.5444+784T>G on transcript NM_000719.7 (MANE Select); 784 bases into the intron after coding-DNA position 5444, T replaced by G.
Molecular consequence: intron variant.
Genome position (GRCh38, 1-based): chr12:2,680,580, T>G. VCF-style: chr12-2680580-T-G. GRCh37 (hg19) VCF-style: chr12-2789746-T-G.
Other names: c.5444+784T>G (NM_001167624.3, NM_001167623.2, NM_001129840.2 and 4 more transcripts); c.5624+5T>G (NM_001167625.2); c.5588+784T>G (NM_199460.4, NM_001129827.2); c.5504+784T>G (NM_001129832.2); c.5528+784T>G (NM_001129831.2); c.5501+784T>G (NM_001129833.2, NM_001129834.2, NM_001129835.2); c.5567+784T>G (NM_001129829.2); c.5468+784T>G (NM_001129837.2, NM_001129838.2); and 4 more.
Identifiers: ClinVar variation 4828004 (VCV004828004.1).